The following is an entry in ClinVar:

ClinVar aggregate classification (germline): Uncertain significance. Review status: criteria provided, multiple submitters, no conflicts (2 of 4 stars). 2 submissions from 2 submitters: Uncertain significance (2). Last evaluated 2026-03-09.

Conditions:
Inborn genetic diseases. Identifiers: MedGen C0950123, MeSH D030342.

Submissions (2):

Ambry Genetics
Classification: Uncertain significance for Inborn genetic diseases. Last evaluated: 2026-03-09. Review status: criteria provided, single submitter. Criteria: Ambry Variant Classification Scheme 2023. Collection method: clinical testing. Allele origin: germline.
Comment: The c.1631G>A (p.R544H) alteration is located in exon 13 (coding exon 12) of the USP9X gene. This alteration results from a G to A substitution at nucleotide position 1631, causing the arginine (R) at amino acid position 544 to be replaced by a histidine (H). This variant was not reported in population-based cohorts in the Genome Aggregation Database (gnomAD). This amino acid position is highly conserved in available vertebrate species. This alteration is predicted to be tolerated by in silico analysis. Based on insufficient or conflicting evidence, the clinical significance of this alteration remains unclear.

GeneDx
Classification: Uncertain significance. Last evaluated: 2026-01-06. Review status: criteria provided, single submitter. Criteria: GeneDx Variant Classification Process June 2021. Collection method: clinical testing. Allele origin: germline.
Comment: Not observed at significant frequency in large population cohorts (gnomAD); In silico analysis supports that this missense variant has a deleterious effect on protein structure/function; Has not been previously published as pathogenic or benign to our knowledge

NM_001039591.3(USP9X):c.1631G>A (p.Arg544His)

Gene: USP9X (ubiquitin specific peptidase 9 X-linked; plus strand). Cytogenetic location: Xp11.4.
Variant type: single nucleotide variant.
Coding change: c.1631G>A on transcript NM_001039591.3 (MANE Select); coding-DNA position 1631, G replaced by A.
Protein change: p.Arg544His; replaces arginine 544 with histidine.
Molecular consequence: missense variant.
Genome position (GRCh38, 1-based): chrX:41,150,925, G>A. VCF-style: chrX-41150925-G-A. GRCh37 (hg19) VCF-style: chrX-41010178-G-A.
Other names: c.1631G>A, p.Arg544His (NM_001039590.3, NM_001410748.1, NM_001410749.1); short protein forms R544H.
Identifiers: ClinVar variation 2282885 (VCV002282885.5), dbSNP rs2519164406, ClinGen allele CA412772815.